The following is an entry in ClinVar:

ClinVar aggregate classification (germline): Uncertain significance (1 of 4 stars; one submission).

Submission:

GeneDx
Classification: Uncertain significance. Last evaluated: 2025-06-28. Review status: criteria provided, single submitter. Criteria: GeneDx Variant Classification Process June 2021. Collection method: clinical testing. Allele origin: germline. Affected: yes.
Comment: Not observed at significant frequency in large population cohorts (gnomAD); In silico analysis supports that this missense variant has a deleterious effect on protein structure/function; Has not been previously published as pathogenic or benign to our knowledge

NM_004415.4(DSP):c.3560A>G (p.Glu1187Gly)

Gene: DSP (desmoplakin; plus strand). Cytogenetic location: 6p24.3.
Variant type: single nucleotide variant.
Coding change: c.3560A>G on transcript NM_004415.4 (MANE Select); coding-DNA position 3560, A replaced by G.
Protein change: p.Glu1187Gly; replaces glutamic acid 1187 with glycine.
Molecular consequence: missense variant.
Genome position (GRCh38, 1-based): chr6:7,579,750, A>G. VCF-style: chr6-7579750-A-G. GRCh37 (hg19) VCF-style: chr6-7579983-A-G.
Other names: c.3560A>G, p.Glu1187Gly (NM_001008844.3, NM_001319034.2); short protein forms E1187G.
Identifiers: ClinVar variation 4539849 (VCV004539849.1).
Genomic context (GRCh38, chr6:7,579,750, plus strand): 5'-AGGAGTACGAGATTGAAAGGTTGAGGGTTCTACTGCAGGAAGAAGGCACCCGGAAGAGAG[A>G]ATATGAAAATGAGCTGGCAAAGGTAAGAAACCACTATAATGAGGAGATGAGTAATTTAAG-3'
Protein context (NP_004406.2, residues 1177-1197): LLQEEGTRKR[Glu1187Gly]YENELAKVRN